The following is an entry in ClinVar:

ClinVar aggregate classification (germline): Conflicting classifications of pathogenicity. Review status: criteria provided, conflicting classifications (1 of 4 stars). 2 submissions from 2 submitters: Uncertain significance (1); Likely benign (1). Last evaluated 2024-01-03.

Conditions:
Marfan syndrome (MFS). Also called: Marfan syndrome, classic; Marfan syndrome type 1; Marfan's syndrome; MARFAN SYNDROME, TYPE I; FBN1-Related Marfan Syndrome. Identifiers: Orphanet 284963, Orphanet 558, MedGen C0024796, MONDO:0007947, OMIM 154700.
Familial thoracic aortic aneurysm and aortic dissection (TAAD). Also called: Thoracic aortic aneurysms and dissections. Identifiers: Orphanet 91387, MedGen C4707243, MONDO:0019625.

Submissions (2):

All of Us Research Program, National Institutes of Health
Classification: Uncertain significance for Marfan syndrome. Last evaluated: 2024-01-03. Review status: criteria provided, single submitter. Criteria: ACMG Guidelines, 2015. Collection method: clinical testing. Allele origin: germline. Inheritance: Autosomal dominant inheritance. Observed: 1 variant allele, 1 heterozygote.
Comment: This variant causes a T to G nucleotide substitution at the -5 position of intron 12 of the FBN1 gene. To our knowledge, functional studies have not been reported for this variant. This variant has not been reported in individuals affected with FBN1-related disorders in the literature. This variant has not been identified in the general population by the Genome Aggregation Database (gnomAD). The available evidence is insufficient to determine the role of this variant in disease conclusively. Therefore, this variant is classified as a Variant of Uncertain Significance.

This study involves interpretation of variants in research participants for the purpose of population health screening. Participant phenotype was not available at the time of variant classification. Additional details can be found in publication PMID: 35346344, PMCID: PMC8962531

Labcorp Genetics (formerly Invitae), Labcorp
Classification: Likely benign for Marfan syndrome; Familial thoracic aortic aneurysm and aortic dissection. Last evaluated: 2016-05-10. Review status: criteria provided, single submitter. Criteria: Invitae Variant Classification Sherloc (09022015). Collection method: clinical testing. Allele origin: germline.

NM_000138.5(FBN1):c.1469-5T>G

Gene: FBN1 (fibrillin 1; minus strand). Cytogenetic location: 15q21.1.
Variant type: single nucleotide variant.
Coding change: c.1469-5T>G on transcript NM_000138.5 (MANE Select); 5 bases into the intron before coding-DNA position 1469, T replaced by G.
Molecular consequence: intron variant.
Genome position (GRCh38, 1-based): chr15:48,513,673, A>C on the plus strand (T>G on the coding strand, the complement: FBN1 is on the minus strand). VCF-style: chr15-48513673-A-C. GRCh37 (hg19) VCF-style: chr15-48805870-A-C.
Identifiers: ClinVar variation 413900 (VCV000413900.12), dbSNP rs1060504144, ClinGen allele CA16614453.
Genomic context (GRCh38, chr15:48,513,673, plus strand): 5'-CTGGTTGTTAATACACTCACCACCAGCACAGGGGTTTTTCTCACATTCATCAACATCTGC[A>C]AAGCACAATGTATTTTAGTGCAAAATTACATAGCAATACCTCATAATTCTAAGACTTTCT-3'